The following is an entry in ClinVar:

ClinVar aggregate classification (germline): Uncertain significance (1 of 4 stars; one submission).

Conditions:
Cardiac anomalies - developmental delay - facial dysmorphism syndrome (MRFACD). Also called: Impaired intellectual development and distinctive facial features with or without cardiac defects; MED13L Syndrome. Identifiers: Orphanet 369891, MedGen C5192431, MONDO:0014773, OMIM 616789.

Submission:

Laboratorio de Genetica e Diagnostico Molecular, Hospital Israelita Albert Einstein
Classification: Uncertain significance for Cardiac anomalies - developmental delay - facial dysmorphism syndrome. Last evaluated: 2023-10-20. Review status: criteria provided, single submitter. Criteria: ACMG Guidelines, 2015. Collection method: clinical testing. Allele origin: germline. Affected: yes.
Comment: ACMG classification criteria: PM2 moderate, PP2 supporting, BP4 supporting

NM_015335.5(MED13L):c.1287G>T (p.Lys429Asn)

Gene: MED13L (mediator complex subunit 13L; minus strand). Cytogenetic location: 12q24.21.
Variant type: single nucleotide variant.
Coding change: c.1287G>T on transcript NM_015335.5 (MANE Select); coding-DNA position 1287, G replaced by T.
Protein change: p.Lys429Asn; replaces lysine 429 with asparagine.
Molecular consequence: missense variant.
Genome position (GRCh38, 1-based): chr12:116,009,126, C>A on the plus strand (G>T on the coding strand, the complement: MED13L is on the minus strand). VCF-style: chr12-116009126-C-A. GRCh37 (hg19) VCF-style: chr12-116446931-C-A.
Other names: short protein forms K429N.
Identifiers: ClinVar variation 4056614 (VCV004056614.1).